The following is an entry in ClinVar:

ClinVar aggregate classification (germline): Uncertain significance. Review status: criteria provided, multiple submitters, no conflicts (2 of 4 stars). 3 submissions from 3 submitters: Uncertain significance (3). Last evaluated 2026-07-21.

Conditions:
Inborn genetic diseases. Identifiers: MedGen C0950123, MeSH D030342.
SCN11A-related disorder. Also called: SCN11A-related condition.
Hereditary sensory and autonomic neuropathy type 7. Also called: Neuropathy, hereditary sensory and autonomic, type VII; HSAN VII. Identifiers: Orphanet 391397, MedGen C3809882, MONDO:0014244, OMIM 615548.
Familial episodic pain syndrome with predominantly lower limb involvement. Also called: Episodic pain syndrome, familial, 3. Identifiers: Orphanet 391384, Orphanet 391392, MedGen C3809899, MONDO:0014247, OMIM 615552.

Allele frequency attached by ClinVar (database versions not stated): gnomAD 0.00001 and 0.00002; TOPMed 0.00002; gnomAD exomes 0.00003; ExAC 0.00004; 1000 Genomes Project 30x 0.00016; 1000 Genomes Project 0.00020.
gnomAD v4.1: 36 of 1,610,988 alleles (0.0022%); highest among the groups gnomAD compares: Admixed American, 0.01%; no homozygotes.

Submissions (3):

PreventionGenetics, part of Exact Sciences
Classification: Uncertain significance for SCN11A-related condition. Last evaluated: 2026-07-21. Review status: criteria provided, single submitter. Criteria: ACMG Guidelines, 2015. Collection method: clinical testing. Allele origin: germline.
Comment: The SCN11A c.3440G>A variant is predicted to result in the amino acid substitution p.Arg1147Gln. To our knowledge, this variant has not been reported in the literature. This variant is reported in 0.0085% of alleles in individuals of Latino descent in gnomAD. At this time, the clinical significance of this variant is uncertain due to the absence of conclusive functional and genetic evidence.

Labcorp Genetics (formerly Invitae), Labcorp
Classification: Uncertain significance for Familial episodic pain syndrome with predominantly lower limb involvement; Hereditary sensory and autonomic neuropathy type 7. Last evaluated: 2025-12-24. Review status: criteria provided, single submitter. Criteria: Invitae Variant Classification Sherloc (09022015). Collection method: clinical testing. Allele origin: germline.
Comment: This sequence change replaces arginine, which is basic and polar, with glutamine, which is neutral and polar, at codon 1147 of the SCN11A protein (p.Arg1147Gln). This variant is present in population databases (rs533830451, gnomAD 0.009%). This variant has not been reported in the literature in individuals affected with SCN11A-related conditions. ClinVar contains an entry for this variant (Variation ID: 541571). Invitae Evidence Modeling of protein sequence and biophysical properties (such as structural, functional, and spatial information, amino acid conservation, physicochemical variation, residue mobility, and thermodynamic stability) indicates that this missense variant is expected to disrupt SCN11A protein function with a positive predictive value of 80%. In summary, the available evidence is currently insufficient to determine the role of this variant in disease. Therefore, it has been classified as a Variant of Uncertain Significance.

Ambry Genetics
Classification: Uncertain significance for Inborn genetic diseases. Last evaluated: 2025-10-30. Review status: criteria provided, single submitter. Criteria: Ambry Variant Classification Scheme 2023. Collection method: clinical testing. Allele origin: germline.

NM_001349253.2(SCN11A):c.3440G>A (p.Arg1147Gln)

Gene: SCN11A (sodium voltage-gated channel alpha subunit 11; minus strand). Cytogenetic location: 3p22.2.
Variant type: single nucleotide variant.
Coding change: c.3440G>A on transcript NM_001349253.2 (MANE Select); coding-DNA position 3440, G replaced by A.
Protein change: p.Arg1147Gln; replaces arginine 1147 with glutamine.
Molecular consequence: missense variant.
Genome position (GRCh38, 1-based): chr3:38,872,248, C>T on the plus strand (G>A on the coding strand, the complement: SCN11A is on the minus strand). VCF-style: chr3-38872248-C-T. GRCh37 (hg19) VCF-style: chr3-38913739-C-T.
Other names: c.3440G>A, p.Arg1147Gln (NM_014139.3); short protein forms R1147Q.
Identifiers: ClinVar variation 541571 (VCV000541571.13), dbSNP rs533830451, ClinGen allele CA2321786.